The following is an entry in ClinVar:

ClinVar aggregate classification (germline): Uncertain significance. Review status: criteria provided, multiple submitters, no conflicts (2 of 4 stars). 2 submissions from 2 submitters: Uncertain significance (2). Last evaluated 2022-11-09.

gnomAD v4.1: 7 of 1,597,168 alleles (0.00044%); highest among the groups gnomAD compares: Non-Finnish European, 0.00059%; no homozygotes.

Submissions (2):

Greenwood Genetic Center Diagnostic Laboratories, Greenwood Genetic Center
Classification: Uncertain significance. Last evaluated: 2022-11-09. Review status: criteria provided, single submitter. Criteria: ACMG Guidelines, 2015. Collection method: clinical testing. Allele origin: germline. Affected: yes.
Comment: PM2

Labcorp Genetics (formerly Invitae), Labcorp
Classification: Uncertain significance. Last evaluated: 2021-08-16. Review status: criteria provided, single submitter. Criteria: Invitae Variant Classification Sherloc (09022015). Collection method: clinical testing. Allele origin: germline.
Comment: This variant has not been reported in the literature in individuals affected with GHSR-related conditions. In summary, the available evidence is currently insufficient to determine the role of this variant in disease. Therefore, it has been classified as a Variant of Uncertain Significance. Algorithms developed to predict the effect of missense changes on protein structure and function (SIFT, PolyPhen-2, Align-GVGD) all suggest that this variant is likely to be tolerated. This variant is not present in population databases (ExAC no frequency). This sequence change replaces glutamic acid with lysine at codon 9 of the GHSR protein (p.Glu9Lys). The glutamic acid residue is moderately conserved and there is a small physicochemical difference between glutamic acid and lysine.

NM_198407.2(GHSR):c.25G>A (p.Glu9Lys)

Gene: GHSR (growth hormone secretagogue receptor; minus strand). Cytogenetic location: 3q26.31.
Variant type: single nucleotide variant.
Coding change: c.25G>A on transcript NM_198407.2 (MANE Select); coding-DNA position 25, G replaced by A.
Protein change: p.Glu9Lys; replaces glutamic acid 9 with lysine.
Molecular consequence: missense variant.
Genome position (GRCh38, 1-based): chr3:172,448,389, C>T on the plus strand (G>A on the coding strand, the complement: GHSR is on the minus strand). VCF-style: chr3-172448389-C-T. GRCh37 (hg19) VCF-style: chr3-172166179-C-T.
Other names: c.25G>A, p.Glu9Lys (NM_004122.2); short protein forms E9K.
Identifiers: ClinVar variation 1375533 (VCV001375533.9), dbSNP rs762767250, ClinGen allele CA355516929.